The following is an entry in ClinVar:

ClinVar aggregate classification (germline): Likely benign (0 of 4 stars; one submission).

Conditions:
MYO9B-related disorder. Also called: MYO9B-related condition.

Allele frequency attached by ClinVar (database versions not stated): TOPMed 0.00001.
gnomAD v4.1: 101 of 1,611,102 alleles (0.0063%); highest among the groups gnomAD compares: Non-Finnish European, 0.0085%; no homozygotes.

Submission:

PreventionGenetics, part of Exact Sciences
Classification: Likely benign for MYO9B-related condition. Last evaluated: 2019-07-19. Review status: no assertion criteria provided. Collection method: clinical testing. Allele origin: germline.
Comment: This variant is classified as likely benign based on ACMG/AMP sequence variant interpretation guidelines (Richards et al. 2015 PMID: 25741868, with internal and published modifications).

NM_004145.4(MYO9B):c.2292C>G (p.Leu764=)

Gene: MYO9B (myosin IXB; plus strand). Cytogenetic location: 19p13.11.
Variant type: single nucleotide variant.
Coding change: c.2292C>G on transcript NM_004145.4 (MANE Select); coding-DNA position 2292, C replaced by G.
Protein change: p.Leu764=; no amino-acid change (leucine 764 retained).
Molecular consequence: synonymous variant.
Genome position (GRCh38, 1-based): chr19:17,180,999, C>G. VCF-style: chr19-17180999-C-G. GRCh37 (hg19) VCF-style: chr19-17291808-C-G.
Other names: c.2292C>G, p.Leu764= (NM_001130065.2).
Identifiers: ClinVar variation 3049287 (VCV003049287.2), dbSNP rs989746910, ClinGen allele CA306047822.